The following is an entry in ClinVar:

ClinVar aggregate classification (germline): Uncertain significance (1 of 4 stars; one submission).

gnomAD v4.1: 2 of 1,552,476 alleles (0.00013%); highest among the groups gnomAD compares: Middle Eastern, 0.022%; no homozygotes.

Submission:

Labcorp Genetics (formerly Invitae), Labcorp
Classification: Uncertain significance. Last evaluated: 2025-07-31. Review status: criteria provided, single submitter. Criteria: Invitae Variant Classification Sherloc (09022015). Collection method: clinical testing. Allele origin: germline.
Comment: This sequence change replaces proline, which is neutral and non-polar, with alanine, which is neutral and non-polar, at codon 764 of the BRD4 protein (p.Pro764Ala). This variant is not present in population databases (gnomAD no frequency). This variant has not been reported in the literature in individuals affected with BRD4-related conditions. An algorithm developed to predict the effect of missense changes on protein structure and function (PolyPhen-2) suggests that this variant is likely to be disruptive. In summary, the available evidence is currently insufficient to determine the role of this variant in disease. Therefore, it has been classified as a Variant of Uncertain Significance.

NM_001379291.1(BRD4):c.2290C>G (p.Pro764Ala)

Gene: BRD4 (bromodomain containing 4; minus strand). Cytogenetic location: 19p13.12.
Variant type: single nucleotide variant.
Coding change: c.2290C>G on transcript NM_001379291.1 (MANE Select); coding-DNA position 2290, C replaced by G.
Protein change: p.Pro764Ala; replaces proline 764 with alanine.
Molecular consequence: missense variant.
Genome position (GRCh38, 1-based): chr19:15,244,522, G>C on the plus strand (C>G on the coding strand, the complement: BRD4 is on the minus strand). VCF-style: chr19-15244522-G-C. GRCh37 (hg19) VCF-style: chr19-15355333-G-C.
Other names: c.2290C>G, p.Pro764Ala (NM_058243.3); short protein forms P764A.
Identifiers: ClinVar variation 4771497 (VCV004771497.1).